The following is an entry in ClinVar:

ClinVar aggregate classification (germline): Uncertain significance. Review status: criteria provided, multiple submitters, no conflicts (2 of 4 stars). 2 submissions from 2 submitters: Uncertain significance (2). Last evaluated 2025-06-11.

Submissions (2):

Labcorp Genetics (formerly Invitae), Labcorp
Classification: Uncertain significance. Last evaluated: 2025-06-11. Review status: criteria provided, single submitter. Criteria: Invitae Variant Classification Sherloc (09022015). Collection method: clinical testing. Allele origin: germline.
Comment: This sequence change replaces threonine, which is neutral and polar, with asparagine, which is neutral and polar, at codon 533 of the CEP97 protein (p.Thr533Asn). This variant is present in population databases (rs751148406, gnomAD 0.07%), and has an allele count higher than expected for a pathogenic variant. This variant has not been reported in the literature in individuals affected with CEP97-related conditions. ClinVar contains an entry for this variant (Variation ID: 3266299). Invitae Evidence Modeling of protein sequence and biophysical properties (such as structural, functional, and spatial information, amino acid conservation, physicochemical variation, residue mobility, and thermodynamic stability) indicates that this missense variant is not expected to disrupt CEP97 protein function with a negative predictive value of 80%. In summary, the available evidence is currently insufficient to determine the role of this variant in disease. Therefore, it has been classified as a Variant of Uncertain Significance.

Ambry Genetics
Classification: Uncertain significance. Last evaluated: 2024-03-15. Review status: criteria provided, single submitter. Criteria: Ambry Variant Classification Scheme 2023. Collection method: clinical testing. Allele origin: germline.

NM_024548.4(CEP97):c.1598C>A (p.Thr533Asn)

Gene: CEP97 (centrosomal protein 97; plus strand). Cytogenetic location: 3q12.3.
Variant type: single nucleotide variant.
Coding change: c.1598C>A on transcript NM_024548.4 (MANE Select); coding-DNA position 1598, C replaced by A.
Protein change: p.Thr533Asn; replaces threonine 533 with asparagine.
Molecular consequence: missense variant.
Genome position (GRCh38, 1-based): chr3:101,758,204, C>A. VCF-style: chr3-101758204-C-A. GRCh37 (hg19) VCF-style: chr3-101477048-C-A.
Other names: c.1421C>A, p.Thr474Asn (NM_001303401.2); c.1496C>A, p.Thr499Asn (NM_001410784.1); c.1319C>A, p.Thr440Asn (NM_001410785.1); short protein forms T533N, T474N, T499N, T440N.
Identifiers: ClinVar variation 3266299 (VCV003266299.2).